The following is an entry in ClinVar:

ClinVar aggregate classification (germline): Uncertain significance (1 of 4 stars; one submission).

Conditions:
Joubert syndrome 23 (JBTS23). Identifiers: Orphanet 475, MedGen C4084822, MONDO:0014664, OMIM 616490.
Short-rib thoracic dysplasia 14 with polydactyly (SRTD14). Identifiers: Orphanet 397715, MedGen C4225286, MONDO:0014688, OMIM 616546.

Submission:

Labcorp Genetics (formerly Invitae), Labcorp
Classification: Uncertain significance for Joubert syndrome 23; Short-rib thoracic dysplasia 14 with polydactyly. Last evaluated: 2022-04-11. Review status: criteria provided, single submitter. Criteria: Invitae Variant Classification Sherloc (09022015). Collection method: clinical testing. Allele origin: germline.
Comment: This sequence change replaces alanine, which is neutral and non-polar, with valine, which is neutral and non-polar, at codon 255 of the KIAA0586 protein (p.Ala255Val). This variant is not present in population databases (gnomAD no frequency). This variant has not been reported in the literature in individuals affected with KIAA0586-related conditions. Algorithms developed to predict the effect of missense changes on protein structure and function are either unavailable or do not agree on the potential impact of this missense change (SIFT: "Deleterious"; PolyPhen-2: "Probably Damaging"; Align-GVGD: "Class C0"). In summary, the available evidence is currently insufficient to determine the role of this variant in disease. Therefore, it has been classified as a Variant of Uncertain Significance.

NM_001329943.3(KIAA0586):c.605C>T (p.Ala202Val)

Gene: KIAA0586 (KIAA0586; plus strand). Cytogenetic location: 14q23.1.
Variant type: single nucleotide variant.
Coding change: c.605C>T on transcript NM_001329943.3 (MANE Select); coding-DNA position 605, C replaced by T.
Protein change: p.Ala202Val; replaces alanine 202 with valine.
Molecular consequence: missense variant.
Genome position (GRCh38, 1-based): chr14:58,443,973, C>T. VCF-style: chr14-58443973-C-T. GRCh37 (hg19) VCF-style: chr14-58910691-C-T.
Other names: c.764C>T, p.Ala255Val (NM_001244189.2); c.560C>T, p.Ala187Val (NM_001244190.2); c.350C>T, p.Ala117Val (NM_001244191.2, NM_001329945.2, NM_001364700.1 and 1 more transcripts); c.473C>T, p.Ala158Val (NM_001244192.2); c.185C>T, p.Ala62Val (NM_001244193.2); c.605C>T, p.Ala202Val (NM_001329944.2, NM_001329946.2, NM_001329947.2 and 1 more transcripts); short protein forms A255V, A158V, A117V, A202V, A187V, A62V.
Identifiers: ClinVar variation 2124978 (VCV002124978.4), dbSNP rs2542818163, ClinGen allele CA389862229.
Genomic context (GRCh38, chr14:58,443,973, plus strand): 5'-TCCTATAATGTGAATTTTTAAAAATGTTTTTATTGTTTTAGGTGCAGAGTGATTTGGAAG[C>T]AAAAGTCAATTCTGTTACAGAATTACTTAGTAAATTACAGGAGACTGATAAACACCTGCA-3'
Protein context (NP_001316872.1, residues 192-212): PLIKVQSDLE[Ala202Val]KVNSVTELLS